The following is an entry in ClinVar:

NM_022124.6(CDH23):c.4756G>C (p.Ala1586Pro)

Gene: CDH23 (cadherin related 23; plus strand). Cytogenetic location: 10q22.1.
Variant type: single nucleotide variant.
Coding change: c.4756G>C on transcript NM_022124.6 (MANE Select); coding-DNA position 4756, G replaced by C.
Protein change: p.Ala1586Pro; replaces alanine 1586 with proline.
Molecular consequence: missense variant.
Genome position (GRCh38, 1-based): chr10:71,741,832, G>C. VCF-style: chr10-71741832-G-C. GRCh37 (hg19) VCF-style: chr10-73501589-G-C.
Other names: short protein forms A1586P.
Identifiers: ClinVar variation 1333600 (VCV001333600.1), dbSNP rs573737471, ClinGen allele CA377130227.

ClinVar aggregate classification (germline): Uncertain significance (1 of 4 stars; one submission).

Conditions:
Autosomal recessive nonsyndromic hearing loss 12. Also called: DEAFNESS, AUTOSOMAL RECESSIVE 12. Identifiers: Orphanet 90636, MedGen C1832394, MONDO:0011067, OMIM 601386.

gnomAD v4.1: 3 of 1,611,248 alleles (0.00019%); highest among the groups gnomAD compares: South Asian, 0.0033%; no homozygotes.

Submission:

3billion
Classification: Uncertain significance for Autosomal recessive nonsyndromic hearing loss 12. Last evaluated: 2022-01-03. Review status: criteria provided, single submitter. Criteria: ACMG Guidelines, 2015. Collection method: clinical testing. Allele origin: germline. Affected: yes. Observed: 1 homozygote.
Comment: Same nucleotide change resulting in same amino acid change has been previously reported to be associated with CDH23 related disorder (PMID:12075507, PS1_P). It is observed at an extremely low frequency in the gnomAD v2.1.1 dataset (total allele frequency: 0.000004, PM2_M). Therefore, this variant is classified as uncertain significance according to the recommendation of ACMG/AMP guideline.

Literature cited by the submitters: PubMed 12075507.